The following is an entry in ClinVar:

NM_001110556.2(FLNA):c.1066-1G>A

Gene: FLNA (filamin A; minus strand). Cytogenetic location: Xq28.
Variant type: single nucleotide variant.
Coding change: c.1066-1G>A on transcript NM_001110556.2 (MANE Select); the canonical splice acceptor site of the intron before coding-DNA position 1066, G replaced by A.
Molecular consequence: splice acceptor variant.
Genome position (GRCh38, 1-based): chrX:154,366,471, C>T on the plus strand (G>A on the coding strand, the complement: FLNA is on the minus strand). VCF-style: chrX-154366471-C-T. GRCh37 (hg19) VCF-style: chrX-153594839-C-T.
Other names: c.1066-1G>A (NM_001456.4).
Identifiers: ClinVar variation 1066948 (VCV001066948.10), dbSNP rs2148118126, ClinGen allele CA415246879.

ClinVar aggregate classification (germline): Pathogenic/Likely pathogenic. Review status: criteria provided, multiple submitters, no conflicts (2 of 4 stars). 2 submissions from 2 submitters: Pathogenic (1); Likely pathogenic (1). Last evaluated 2023-11-10.

Conditions:
Heterotopia, periventricular, X-linked dominant (PVNH1). Also called: PERIVENTRICULAR NODULAR HETEROTOPIA 1; X-linked periventricular heterotopia; PERIVENTRICULAR NODULAR HETEROTOPIA 4; HETEROTOPIA, PERIVENTRICULAR, 1. Identifiers: Orphanet 2149, Orphanet 82004, MedGen C1848213, MONDO:0010233, OMIM 300049.
Melnick-Needles syndrome (MNS). Also called: MELNICK-NEEDLES OSTEODYSPLASTY; OSTEODYSPLASTY OF MELNICK AND NEEDLES; Melnick-Needles Syndrome (FLNA-MNS). Identifiers: Orphanet 2484, MedGen C0025237, MONDO:0010650, OMIM 309350.
Frontometaphyseal dysplasia (FMD1). Identifiers: Orphanet 1826, MedGen C0265293, MONDO:0015942.
Oto-palato-digital syndrome, type II (OPD2). Also called: OPD II SYNDROME; FACIOPALATOOSSEOUS SYNDROME; Otopalatodigital Syndrome Type 2 (FLNA-OPD2); Otopalatodigital Syndrome, Type II. Identifiers: Orphanet 669, Orphanet 90652, MedGen C1844696, MONDO:0010571, OMIM 304120.

Submissions (2):

Labcorp Genetics (formerly Invitae), Labcorp
Classification: Likely pathogenic for Oto-palato-digital syndrome, type II; Heterotopia, periventricular, X-linked dominant; Frontometaphyseal dysplasia; Melnick-Needles syndrome. Last evaluated: 2023-11-10. Review status: criteria provided, single submitter. Criteria: Invitae Variant Classification Sherloc (09022015). Collection method: clinical testing. Allele origin: germline.
Comment: This sequence change affects an acceptor splice site in intron 7 of the FLNA gene. It is expected to disrupt RNA splicing. Variants that disrupt the donor or acceptor splice site typically lead to a loss of protein function (PMID: 16199547), and loss-of-function variants in FLNA are known to be pathogenic (PMID: 16684786, 20730588, 26471271). This variant is not present in population databases (gnomAD no frequency). This variant has not been reported in the literature in individuals affected with FLNA-related conditions. ClinVar contains an entry for this variant (Variation ID: 1066948). Algorithms developed to predict the effect of sequence changes on RNA splicing suggest that this variant may disrupt the consensus splice site. In summary, the currently available evidence indicates that the variant is pathogenic, but additional data are needed to prove that conclusively. Therefore, this variant has been classified as Likely Pathogenic.

Revvity Omics, Revvity
Classification: Pathogenic. Last evaluated: 2019-10-30. Review status: criteria provided, single submitter. Criteria: ACMG Guidelines, 2015. Collection method: clinical testing. Allele origin: germline.

Literature cited by the submitters: PubMed 16199547 (cited by Labcorp Genetics (formerly Invitae), Labcorp); PubMed 16684786 (cited by Labcorp Genetics (formerly Invitae), Labcorp); PubMed 20730588 (cited by Labcorp Genetics (formerly Invitae), Labcorp); PubMed 26471271 (cited by Labcorp Genetics (formerly Invitae), Labcorp).